The following is an entry in ClinVar:

ClinVar aggregate classification (germline): Uncertain significance. Review status: criteria provided, multiple submitters, no conflicts (2 of 4 stars). 2 submissions from 2 submitters: Uncertain significance (2). Last evaluated 2022-05-28.

Conditions:
Jeune thoracic dystrophy. Also called: Jeune syndrome; Infantile thoracic dystrophy; Thoracic pelvic phalangeal dystrophy; Jeune's syndrome; Chondroectodermal dysplasia-like syndrome; Short-rib thoracic dysplasia. Identifiers: Orphanet 474, MedGen C0265275, MONDO:0018770.
Asphyxiating thoracic dystrophy 3. Also called: Saldino-Noonan Syndrome; POLYDACTYLY WITH NEONATAL CHONDRODYSTROPHY, TYPE I; SHORT-RIB THORACIC DYSPLASIA 3 WITH OR WITHOUT POLYDACTYLY; Short rib polydactyly syndrome 2B; SHORT-RIB THORACIC DYSPLASIA 3/6 WITH POLYDACTYLY, DIGENIC. Identifiers: Orphanet 474, Orphanet 93269, Orphanet 93270, Orphanet 93271, MedGen C0036069, MONDO:0013127, OMIM 613091.

Allele frequency attached by ClinVar (database versions not stated): gnomAD exomes below 0.00001; TOPMed below 0.00001; ExAC 0.00001.
gnomAD v4.1: 1 of 1,612,478 alleles (0.000062%); highest among the groups gnomAD compares: South Asian, 0.0011%; no homozygotes.

Submissions (2):

Labcorp Genetics (formerly Invitae), Labcorp
Classification: Uncertain significance for Jeune thoracic dystrophy. Last evaluated: 2022-05-28. Review status: criteria provided, single submitter. Criteria: Invitae Variant Classification Sherloc (09022015). Collection method: clinical testing. Allele origin: germline.
Comment: This sequence change replaces leucine, which is neutral and non-polar, with phenylalanine, which is neutral and non-polar, at codon 2925 of the DYNC2H1 protein (p.Leu2925Phe). This variant is present in population databases (rs745502991, gnomAD 0.003%). This variant has not been reported in the literature in individuals affected with DYNC2H1-related conditions. Advanced modeling of protein sequence and biophysical properties (such as structural, functional, and spatial information, amino acid conservation, physicochemical variation, residue mobility, and thermodynamic stability) performed at Invitae indicates that this missense variant is not expected to disrupt DYNC2H1 protein function. In summary, the available evidence is currently insufficient to determine the role of this variant in disease. Therefore, it has been classified as a Variant of Uncertain Significance.

Juno Genomics, Hangzhou Juno Genomics, Inc
Classification: Uncertain significance for Asphyxiating thoracic dystrophy 3. Review status: criteria provided, single submitter. Criteria: ACMG Guidelines, 2015. Collection method: clinical testing. Allele origin: germline.
Comment: Absent from controls (or at extremely low frequency if recessive) in Genome Aggregation Database.;Multiple lines of computational evidence support a deleterious effect on the gene or gene product.

NM_001377.3(DYNC2H1):c.8773C>T (p.Leu2925Phe)

Gene: DYNC2H1 (dynein cytoplasmic 2 heavy chain 1; plus strand). Cytogenetic location: 11q22.3.
Variant type: single nucleotide variant.
Coding change: c.8773C>T on transcript NM_001377.3 (MANE Select); coding-DNA position 8773, C replaced by T.
Protein change: p.Leu2925Phe; replaces leucine 2925 with phenylalanine.
Molecular consequence: missense variant.
Genome position (GRCh38, 1-based): chr11:103,215,799, C>T. VCF-style: chr11-103215799-C-T. GRCh37 (hg19) VCF-style: chr11-103086528-C-T.
Other names: c.8773C>T, p.Leu2925Phe (NM_001080463.2); short protein forms L2925F.
Identifiers: ClinVar variation 2000188 (VCV002000188.6), dbSNP rs745502991, ClinGen allele CA6254528.